The following is an entry in ClinVar:

ClinVar aggregate classification (germline): Pathogenic/Likely pathogenic. Review status: criteria provided, multiple submitters, no conflicts (2 of 4 stars). 4 submissions from 4 submitters: Pathogenic (2); Likely pathogenic (2). Last evaluated 2026-02-03.

Conditions:
Tay-Sachs disease (TSD). Also called: HEXA DEFICIENCY; HEXA Disorders; GM2 gangliosidosis, type 1; Hexosaminidase alpha-subunit deficiency (variant B); Sphingolipidosis, Tay-Sachs; Hexosaminidase A Deficiency. Identifiers: Orphanet 845, MedGen C0039373, MONDO:0010100, OMIM 272800.

Allele frequency attached by ClinVar (database versions not stated): gnomAD exomes below 0.00001.
gnomAD v4.1: 1 of 1,614,194 alleles (0.000062%); highest among the groups gnomAD compares: Admixed American, 0.0017%; no homozygotes.

Submissions (4):

Labcorp Genetics (formerly Invitae), Labcorp
Classification: Pathogenic for Tay-Sachs disease. Last evaluated: 2026-02-03. Review status: criteria provided, single submitter. Criteria: Invitae Variant Classification Sherloc (09022015). Collection method: clinical testing. Allele origin: germline.
Comment: This sequence change creates a premature translational stop signal (p.Tyr366*) in the HEXA gene. It is expected to result in an absent or disrupted protein product. Loss-of-function variants in HEXA are known to be pathogenic (PMID: 1833974, 8490625). This variant is present in population databases (no rsID available, gnomAD 0.003%). This variant has not been reported in the literature in individuals affected with HEXA-related conditions. ClinVar contains an entry for this variant (Variation ID: 1069429). Algorithms developed to predict the effect of sequence changes on RNA splicing suggest that this variant may disrupt the consensus splice site. For these reasons, this variant has been classified as Pathogenic.

Natera, Inc.
Classification: Likely pathogenic for Tay-Sachs disease. Last evaluated: 2025-10-05. Review status: criteria provided, single submitter. Criteria: Natera Variant Classification Schema (03/2026). Collection method: clinical testing. Allele origin: germline.
Comment: The c.1098T>G variant in HEXA is a nonsense variant predicted to introduce a stop codon at amino acid 366. This variant is expected to result in nonsense mediated decay, truncation, or a dysfunctional protein product. This variant is rare in the general population with a frequency below the threshold expected for the associated phenotype(s). Given the available evidence, this variant is classified as Likely Pathogenic.

Myriad Genetics, Inc.
Classification: Pathogenic for Tay-Sachs disease. Last evaluated: 2023-12-04. Review status: criteria provided, single submitter. Criteria: Myriad Autosomal Dominant, Autosomal Recessive and X-Linked Classification Criteria (2023). Collection method: clinical testing. Allele origin: unknown.
Comment: NM_000520.4(HEXA):c.1098T>G(Y366*) is expected to be pathogenic in the context of hexosaminidase A deficiency. This variant is predicted to lead to an abnormal or absent protein product due to the creation of a premature termination codon in HEXA, a gene where loss-of-function variants are known to be pathogenic. Please note: this variant was assessed in the context of healthy population screening.

GeneID Lab - Advanced Molecular Diagnostics
Classification: Likely pathogenic for Tay-Sachs disease. Last evaluated: 2019-02-07. Review status: criteria provided, single submitter. Criteria: ACMG Guidelines, 2015. Collection method: clinical testing. Allele origin: germline. Affected: no. Observed: 1 variant allele.
Comment: This variant creates a premature translational stop signal referred as p.Tyr366Ter or p.Y366* in the HEXA gene. It is expected to result in an absent or disrupted protein product. This mutation is considered a non-tolerated amino acid change based on “in silico” prediction algorithms (disease causing). This variant is present in the gnomAD exomes database at a frequency of 0.000004. For these reasons, we consider this finding as a "likely pathogenic variant" related to Tay-Sachs Disease.

Literature cited by the submitters: PubMed 1833974 (cited by Labcorp Genetics (formerly Invitae), Labcorp); PubMed 8490625 (cited by Labcorp Genetics (formerly Invitae), Labcorp).

NM_000520.6(HEXA):c.1098T>G (p.Tyr366Ter)

Gene: HEXA (hexosaminidase subunit alpha; minus strand). Cytogenetic location: 15q23.
Variant type: single nucleotide variant.
Coding change: c.1098T>G on transcript NM_000520.6 (MANE Select); coding-DNA position 1098, T replaced by G.
Protein change: p.Tyr366Ter; replaces tyrosine 366 with a stop codon.
Molecular consequence: nonsense.
Genome position (GRCh38, 1-based): chr15:72,347,734, A>C on the plus strand (T>G on the coding strand, the complement: HEXA is on the minus strand). VCF-style: chr15-72347734-A-C. GRCh37 (hg19) VCF-style: chr15-72640075-A-C.
Other names: c.1131T>G, p.Tyr377Ter (NM_001318825.2); c.1098T>G (NM_000520.5); short protein forms Y366*, Y377*.
Identifiers: ClinVar variation 1069429 (VCV001069429.11), dbSNP rs979690054, ClinGen allele CA272610941.